The following is an entry in ClinVar:

NM_000083.3(CLCN1):c.1255A>T (p.Met419Leu)

Gene: CLCN1 (chloride voltage-gated channel 1; plus strand). Cytogenetic location: 7q34.
Variant type: single nucleotide variant.
Coding change: c.1255A>T on transcript NM_000083.3 (MANE Select); coding-DNA position 1255, A replaced by T.
Protein change: p.Met419Leu; replaces methionine 419 with leucine.
Molecular consequence: missense variant.
Genome position (GRCh38, 1-based): chr7:143,332,727, A>T. VCF-style: chr7-143332727-A-T. GRCh37 (hg19) VCF-style: chr7-143029820-A-T.
Other names: short protein forms M419L.
Identifiers: ClinVar variation 3233339 (VCV003233339.1), dbSNP rs2487064604, ClinGen allele CA369643695.

ClinVar aggregate classification (germline): Likely pathogenic (1 of 4 stars; one submission).

Conditions:
Congenital myotonia, autosomal recessive form. Also called: BECKER DISEASE; Becker Generalized Myotonia; myotonia congenita, autosomal recessive. Identifiers: Orphanet 614, MedGen C0751360, MONDO:0009715, OMIM 255700.
Congenital myotonia, autosomal dominant form (THD). Also called: THOMSEN DISEASE; Myotonia congenita autosomal dominant. Identifiers: Orphanet 614, MedGen C2936781, MONDO:0008055, OMIM 160800.

Submission:

Department Of Human Genetics, Institute Of Clinical And Translational Research, Biomedical Research Center, Slovak Academy Of Sciences
Classification: Likely pathogenic for Congenital myotonia, autosomal recessive form; Congenital myotonia, autosomal dominant form. Review status: criteria provided, single submitter. Criteria: ACMG Guidelines, 2015. Collection method: research. Allele origin: germline. Inheritance: Autosomal unknown. Affected: yes. Observed: 1 variant allele.
Comment: The c.1255A>T variant is not listed in the publicly available HGMD database (CM940286) and neither in dbSNP nor GnomAD Exomes databases.